The following is an entry in ClinVar:

ClinVar aggregate classification (germline): Uncertain significance (1 of 4 stars; one submission).

Submission:

Ambry Genetics
Classification: Uncertain significance. Last evaluated: 2021-10-21. Review status: criteria provided, single submitter. Criteria: Ambry Variant Classification Scheme 2023. Collection method: clinical testing. Allele origin: germline.
Comment: The p.Q1984L variant (also known as c.5951A>T), located in coding exon 18 of the POLQ gene, results from an A to T substitution at nucleotide position 5951. The glutamine at codon 1984 is replaced by leucine, an amino acid with dissimilar properties. This amino acid position is conserved. In addition, this alteration is predicted to be tolerated by in silico analysis. Since supporting evidence is limited at this time, the clinical significance of this alteration remains unclear.

NM_199420.4(POLQ):c.5951A>T (p.Gln1984Leu)

Gene: POLQ (DNA polymerase theta; minus strand). Cytogenetic location: 3q13.33.
Variant type: single nucleotide variant.
Coding change: c.5951A>T on transcript NM_199420.4 (MANE Select); coding-DNA position 5951, A replaced by T.
Protein change: p.Gln1984Leu; replaces glutamine 1984 with leucine.
Molecular consequence: missense variant.
Genome position (GRCh38, 1-based): chr3:121,483,405, T>A on the plus strand (A>T on the coding strand, the complement: POLQ is on the minus strand). VCF-style: chr3-121483405-T-A. GRCh37 (hg19) VCF-style: chr3-121202252-T-A.
Other names: short protein forms Q1984L.
Identifiers: ClinVar variation 1750690 (VCV001750690.2), dbSNP rs2546781588, ClinGen allele CA354088433.